The following is an entry in ClinVar:

NM_013382.7(POMT2):c.1274G>A (p.Ser425Asn)

Gene: POMT2 (protein O-mannosyltransferase 2; minus strand). Cytogenetic location: 14q24.3.
Variant type: single nucleotide variant.
Coding change: c.1274G>A on transcript NM_013382.7 (MANE Select); coding-DNA position 1274, G replaced by A.
Protein change: p.Ser425Asn; replaces serine 425 with asparagine.
Molecular consequence: missense variant.
Genome position (GRCh38, 1-based): chr14:77,286,802, C>T on the plus strand (G>A on the coding strand, the complement: POMT2 is on the minus strand). VCF-style: chr14-77286802-C-T. GRCh37 (hg19) VCF-style: chr14-77753145-C-T.
Other names: short protein forms S425N.
Identifiers: ClinVar variation 3251663 (VCV003251663.1), dbSNP rs774466835.
Genomic context (GRCh38, chr14:77,286,802, plus strand): 5'-ACTATGCCATAGCCGGTGACCTGATAGTGCTTCCGGGTCATGGGGGCCTCATGATAGTGA[C>T]TGTGCAAGTTCCGGGAAGTTCTAGAAGTTAGAAAAGAGAAGTGTCATTATCCTATAGAAA-3'
Protein context (NP_037514.2, residues 415-435): EHKETSRNLH[Ser425Asn]HYHEAPMTRK

ClinVar aggregate classification (germline): Uncertain significance (1 of 4 stars; one submission).

Submission:

Women's Health and Genetics/Laboratory Corporation of America, LabCorp
Classification: Uncertain significance. Last evaluated: 2024-04-26. Review status: criteria provided, single submitter. Criteria: LabCorp Variant Classification Summary - May 2015. Collection method: clinical testing. Allele origin: germline.
Comment: Variant summary: POMT2 c.1274G>A (p.Ser425Asn) results in a conservative amino acid change located in the MIR motif (IPR016093) of the encoded protein sequence. Four of five in-silico tools predict a damaging effect of the variant on protein function. The variant was absent in 251490 control chromosomes. The available data on variant occurrences in the general population are insufficient to allow any conclusion about variant significance. c.1274G>A has been reported in the literature in individuals affected with Alpha-dystroglycanopathy (example: Chen_2021). These report(s) do not provide unequivocal conclusions about association of the variant with Limb-Girdle Muscular Dystrophy, Autosomal Recessive. To our knowledge, no experimental evidence demonstrating an impact on protein function has been reported. The following publication has been ascertained in the context of this evaluation (PMID: 34413876). No submitters have cited clinical-significance assessments for this variant to ClinVar. Based on the evidence outlined above, the variant was classified as uncertain significance.

Literature cited by the submitters: PubMed 34413876.